The following is an entry in ClinVar:

ClinVar aggregate classification (germline): Likely benign (1 of 4 stars; one submission).

Conditions:
CEP104-related disorder. Also called: CEP104-related condition.

Submission:

PreventionGenetics, part of Exact Sciences
Classification: Likely benign for CEP104-related condition. Last evaluated: 2024-12-16. Review status: criteria provided, single submitter. Criteria: ACMG Guidelines, 2015. Collection method: clinical testing. Allele origin: germline.
Comment: This variant is classified as likely benign based on ACMG/AMP sequence variant interpretation guidelines (Richards et al. 2015 PMID: 25741868, with internal and published modifications).

NM_014704.4(CEP104):c.1314C>T (p.Thr438=)

Gene: CEP104 (centrosomal protein 104; minus strand). Cytogenetic location: 1p36.32.
Variant type: single nucleotide variant.
Coding change: c.1314C>T on transcript NM_014704.4 (MANE Select); coding-DNA position 1314, C replaced by T.
Protein change: p.Thr438=; no amino-acid change (threonine 438 retained).
Molecular consequence: synonymous variant.
Genome position (GRCh38, 1-based): chr1:3,836,498, G>A on the plus strand (C>T on the coding strand, the complement: CEP104 is on the minus strand). VCF-style: chr1-3836498-G-A. GRCh37 (hg19) VCF-style: chr1-3753062-G-A.
Identifiers: ClinVar variation 4983613 (VCV004983613.1).